The following is an entry in ClinVar:

NM_003742.4(ABCB11):c.3945C>T (p.Thr1315=)

Gene: ABCB11 (ATP binding cassette subfamily B member 11; minus strand). Cytogenetic location: 2q31.1.
Variant type: single nucleotide variant.
Coding change: c.3945C>T on transcript NM_003742.4 (MANE Select); coding-DNA position 3945, C replaced by T.
Protein change: p.Thr1315=; no amino-acid change (threonine 1315 retained).
Molecular consequence: synonymous variant.
Genome position (GRCh38, 1-based): chr2:168,923,643, G>A on the plus strand (C>T on the coding strand, the complement: ABCB11 is on the minus strand). VCF-style: chr2-168923643-G-A. GRCh37 (hg19) VCF-style: chr2-169780153-G-A.
Identifiers: ClinVar variation 3772482 (VCV003772482.13).

ClinVar aggregate classification (germline): Likely benign (1 of 4 stars; one submission).

Submission:

CeGaT Center for Human Genetics Tuebingen
Classification: Likely benign. Last evaluated: 2025-02-01. Review status: criteria provided, single submitter. Criteria: CeGaT Center For Human Genetics Tuebingen Variant Classification Criteria Version 2. Collection method: clinical testing. Allele origin: germline. Affected: yes. Observed: 1 variant allele.
Comment: ABCB11: PM2:Supporting, BP4, BP7